The following is an entry in ClinVar:

ClinVar aggregate classification (germline): Uncertain significance. Review status: criteria provided, multiple submitters, no conflicts (2 of 4 stars). 2 submissions from 2 submitters: Uncertain significance (2). Last evaluated 2024-09-02.

Allele frequency attached by ClinVar (database versions not stated): gnomAD exomes below 0.00001 and 0.00001; gnomAD 0.00001; TOPMed 0.00003.
gnomAD v4.1: 9 of 1,613,804 alleles (0.00056%); highest among the groups gnomAD compares: African/African-American, 0.0013%; no homozygotes.

Submissions (2):

Blueprint Genetics
Classification: Uncertain significance. Last evaluated: 2024-09-02. Review status: criteria provided, single submitter. Criteria: ACMG Guidelines, 2015. Collection method: clinical testing. Allele origin: germline.

Labcorp Genetics (formerly Invitae), Labcorp
Classification: Uncertain significance. Last evaluated: 2023-12-04. Review status: criteria provided, single submitter. Criteria: Invitae Variant Classification Sherloc (09022015). Collection method: clinical testing. Allele origin: germline.
Comment: This sequence change falls in intron 21 of the CACNA2D4 gene. It does not directly change the encoded amino acid sequence of the CACNA2D4 protein. It affects a nucleotide within the consensus splice site. This variant is present in population databases (no rsID available, gnomAD 0.0009%). This variant has not been reported in the literature in individuals affected with CACNA2D4-related conditions. ClinVar contains an entry for this variant (Variation ID: 1461321). Variants that disrupt the consensus splice site are a relatively common cause of aberrant splicing (PMID: 17576681, 9536098). Algorithms developed to predict the effect of sequence changes on RNA splicing suggest that this variant is not likely to affect RNA splicing. In summary, the available evidence is currently insufficient to determine the role of this variant in disease. Therefore, it has been classified as a Variant of Uncertain Significance.

Literature cited by the submitters: PubMed 17576681 (cited by Labcorp Genetics (formerly Invitae), Labcorp); PubMed 9536098 (cited by Labcorp Genetics (formerly Invitae), Labcorp).

NM_172364.5(CACNA2D4):c.2055-3C>T

Gene: CACNA2D4 (calcium voltage-gated channel auxiliary subunit alpha2delta 4; minus strand). Cytogenetic location: 12p13.33.
Variant type: single nucleotide variant.
Coding change: c.2055-3C>T on transcript NM_172364.5 (MANE Select); 3 bases into the intron before coding-DNA position 2055, C replaced by T.
Molecular consequence: intron variant.
Genome position (GRCh38, 1-based): chr12:1,856,112, G>A on the plus strand (C>T on the coding strand, the complement: CACNA2D4 is on the minus strand). VCF-style: chr12-1856112-G-A. GRCh37 (hg19) VCF-style: chr12-1965278-G-A.
Identifiers: ClinVar variation 1461321 (VCV001461321.7), dbSNP rs892437280, ClinGen allele CA231533398.